The following is an entry in ClinVar:

ClinVar aggregate classification (germline): Uncertain significance. Review status: criteria provided, single submitter (1 of 4 stars). 2 submissions from 2 submitters: Uncertain significance (1). 1 of the submissions does not count toward it. Last evaluated 2021-09-01.

Conditions:
Usher syndrome type 2A. Also called: RETINAL DISEASE IN USHER SYNDROME TYPE IIA, MODIFIER OF; USHER SYNDROME, TYPE IIA. Identifiers: Orphanet 231178, Orphanet 886, MedGen C1848634, MONDO:0010169, OMIM 276901.

Allele frequency attached by ClinVar (database versions not stated): gnomAD exomes below 0.00001; ExAC 0.00001.
gnomAD v4.1: 1 of 1,613,274 alleles (0.000062%); highest among the groups gnomAD compares: Non-Finnish European, 0.000085%; no homozygotes.

Submissions (2):

Labcorp Genetics (formerly Invitae), Labcorp
Classification: Uncertain significance. Last evaluated: 2021-09-01. Review status: criteria provided, single submitter. Criteria: Invitae Variant Classification Sherloc (09022015). Collection method: clinical testing. Allele origin: germline.
Comment: This sequence change replaces cysteine with tyrosine at codon 1032 of the USH2A protein (p.Cys1032Tyr). The cysteine residue is highly conserved and there is a large physicochemical difference between cysteine and tyrosine. The frequency data for this variant in the population databases is considered unreliable, as metrics indicate poor data quality at this position in the ExAC database. This variant has not been reported in the literature in individuals affected with USH2A-related conditions. Algorithms developed to predict the effect of missense changes on protein structure and function are either unavailable or do not agree on the potential impact of this missense change (SIFT: "Deleterious"; PolyPhen-2: "Probably Damaging"; Align-GVGD: "Class C0"). In summary, the available evidence is currently insufficient to determine the role of this variant in disease. Therefore, it has been classified as a Variant of Uncertain Significance.

Natera, Inc.
Classification: Uncertain significance for Usher syndrome type 2A. Last evaluated: 2020-01-07. Review status: no assertion criteria provided. Collection method: clinical testing. Allele origin: germline. Not counted in ClinVar's aggregate classification.

NM_206933.4(USH2A):c.3095G>A (p.Cys1032Tyr)

Genes: USH2A (usherin; minus strand), USH2A-AS1 (USH2A antisense RNA 1; plus strand). Cytogenetic location: 1q41.
Variant type: single nucleotide variant.
Coding change: c.3095G>A on transcript NM_206933.4 (MANE Select); coding-DNA position 3095, G replaced by A.
Protein change: p.Cys1032Tyr; replaces cysteine 1032 with tyrosine.
Molecular consequence: missense variant.
Genome position (GRCh38, 1-based): chr1:216,217,449, C>T on the plus strand (G>A on the coding strand, the complement: USH2A is on the minus strand). VCF-style: chr1-216217449-C-T. GRCh37 (hg19) VCF-style: chr1-216390791-C-T.
Other names: c.3095G>A, p.Cys1032Tyr (NM_007123.6); short protein forms C1032Y.
Identifiers: ClinVar variation 1000389 (VCV001000389.7), dbSNP rs762711963, ClinGen allele CA1396091.
Genomic context (GRCh38, chr1:216,217,449, plus strand): 5'-TTGCTGCAACCCAATAGATTGTTGACATCCAAGTGGCTTGCACTGGGAACACAAGCATCA[C>T]ACTTTGAGCCAGTGACAAATTGTTTACAGAAACACTGGCCTGTGACCAAGTGACAGGTTT-3'
Protein context (NP_996816.3, residues 1022-1042): FCKQFVTGSK[Cys1032Tyr]DACVPSASHL